The following is an entry in ClinVar:

ClinVar aggregate classification (germline): Benign/Likely benign. Review status: criteria provided, multiple submitters, no conflicts (2 of 4 stars). 11 submissions from 10 submitters: Benign (1); Likely benign (6). 4 of the submissions do not count toward it. Last evaluated 2025-12-30.

Conditions:
Adams-Oliver syndrome 5 (AOS5). Identifiers: Orphanet 974, MedGen C4014970, MONDO:0014459, OMIM 616028.
Familial thoracic aortic aneurysm and aortic dissection (TAAD). Also called: Thoracic aortic aneurysms and dissections. Identifiers: Orphanet 91387, MedGen C4707243, MONDO:0019625.
NOTCH1-related disorder. Also called: NOTCH1-related disorders; NOTCH1-related condition.
Aortic valve disease 1 (AOVD1). Identifiers: MedGen C3887892, MONDO:0024523, OMIM 109730.

Allele frequency attached by ClinVar (database versions not stated): ExAC 0.00006; gnomAD exomes 0.00008 and 0.00017; gnomAD 0.00015 and 0.00016; TOPMed 0.00016; ESP Exome Variant Server 0.00031.
gnomAD v4.1: 270 of 1,612,634 alleles (0.017%); highest among the groups gnomAD compares: Non-Finnish European, 0.021%; no homozygotes.

Submissions (11):

Labcorp Genetics (formerly Invitae), Labcorp
Classification: Likely benign for Adams-Oliver syndrome 5. Last evaluated: 2025-12-30. Review status: criteria provided, single submitter. Criteria: Invitae Variant Classification Sherloc (09022015). Collection method: clinical testing. Allele origin: germline.

ARUP Laboratories, Molecular Genetics and Genomics, ARUP Laboratories
Classification: Likely benign. Last evaluated: 2023-11-27. Review status: criteria provided, single submitter. Criteria: ARUP Molecular Germline Variant Investigation Process 2024. Collection method: clinical testing. Allele origin: germline.

Women's Health and Genetics/Laboratory Corporation of America, LabCorp
Classification: Benign. Last evaluated: 2023-08-10. Review status: criteria provided, single submitter. Criteria: LabCorp Variant Classification Summary - May 2015. Collection method: clinical testing. Allele origin: germline.

Genome-Nilou Lab
Classification: Likely benign for Adams-Oliver syndrome 5. Last evaluated: 2022-03-15. Review status: criteria provided, single submitter. Criteria: ACMG Guidelines, 2015. Collection method: clinical testing. Allele origin: germline. Affected: no.

Genome-Nilou Lab
Classification: Likely benign for Aortic valve disease 1. Last evaluated: 2022-03-15. Review status: criteria provided, single submitter. Criteria: ACMG Guidelines, 2015. Collection method: clinical testing. Allele origin: germline. Affected: no.

Ambry Genetics
Classification: Likely benign for Familial thoracic aortic aneurysm and aortic dissection. Last evaluated: 2020-03-24. Review status: criteria provided, single submitter. Criteria: Ambry Variant Classification Scheme 2023. Collection method: clinical testing. Allele origin: germline.

GeneDx
Classification: Likely benign. Last evaluated: 2019-10-04. Review status: criteria provided, single submitter. Criteria: GeneDx Variant Classification Process June 2021. Collection method: clinical testing. Allele origin: germline. Affected: yes.

PreventionGenetics, part of Exact Sciences
Classification: Likely benign for NOTCH1-related condition. Last evaluated: 2022-12-27. Review status: no assertion criteria provided. Collection method: clinical testing. Allele origin: germline. Not counted in ClinVar's aggregate classification.
Comment: This variant is classified as likely benign based on ACMG/AMP sequence variant interpretation guidelines (Richards et al. 2015 PMID: 25741868, with internal and published modifications).

Clinical Genetics DNA and cytogenetics Diagnostics Lab, Erasmus MC, Erasmus Medical Center
Classification: Likely benign. Review status: no assertion criteria provided. Collection method: clinical testing. Allele origin: germline. Affected: yes. Study: VKGL Data-share Consensus. Not counted in ClinVar's aggregate classification.

Genome Diagnostics Laboratory, University Medical Center Utrecht
Classification: Likely benign. Review status: no assertion criteria provided. Collection method: clinical testing. Allele origin: germline. Affected: yes. Study: VKGL Data-share Consensus. Not counted in ClinVar's aggregate classification.

Joint Genome Diagnostic Labs from Nijmegen and Maastricht, Radboudumc and MUMC+
Classification: Likely benign. Review status: no assertion criteria provided. Collection method: clinical testing. Allele origin: germline. Affected: yes. Study: VKGL Data-share Consensus. Not counted in ClinVar's aggregate classification.

NM_017617.5(NOTCH1):c.3288G>C (p.Val1096=)

Gene: NOTCH1 (notch receptor 1; minus strand). Cytogenetic location: 9q34.3.
Variant type: single nucleotide variant.
Coding change: c.3288G>C on transcript NM_017617.5 (MANE Select); coding-DNA position 3288, G replaced by C.
Protein change: p.Val1096=; no amino-acid change (valine 1096 retained).
Molecular consequence: synonymous variant.
Genome position (GRCh38, 1-based): chr9:136,508,269, C>G on the plus strand (G>C on the coding strand, the complement: NOTCH1 is on the minus strand). VCF-style: chr9-136508269-C-G. GRCh37 (hg19) VCF-style: chr9-139402721-C-G.
Other names: c.3288G>C (NM_017617.4); c.3288G>C, p.Val1096= (LRG_1122t1).
Identifiers: ClinVar variation 392205 (VCV000392205.22), dbSNP rs374944458, ClinGen allele CA5340994.